The following is an entry in ClinVar:

ClinVar aggregate classification (germline): Uncertain significance (1 of 4 stars; one submission).

Submission:

Labcorp Genetics (formerly Invitae), Labcorp
Classification: Uncertain significance. Last evaluated: 2023-06-10. Review status: criteria provided, single submitter. Criteria: Invitae Variant Classification Sherloc (09022015). Collection method: clinical testing. Allele origin: germline.
Comment: In summary, the available evidence is currently insufficient to determine the role of this variant in disease. Therefore, it has been classified as a Variant of Uncertain Significance. An algorithm developed to predict the effect of missense changes on protein structure and function (PolyPhen-2) suggests that this variant is likely to be tolerated. This variant has not been reported in the literature in individuals affected with ADIPOR1-related conditions. This variant is not present in population databases (gnomAD no frequency). This sequence change replaces proline, which is neutral and non-polar, with serine, which is neutral and polar, at codon 46 of the ADIPOR1 protein (p.Pro46Ser).

NM_015999.6(ADIPOR1):c.136C>T (p.Pro46Ser)

Gene: ADIPOR1 (adiponectin receptor 1; minus strand). Cytogenetic location: 1q32.1.
Variant type: single nucleotide variant.
Coding change: c.136C>T on transcript NM_015999.6 (MANE Select); coding-DNA position 136, C replaced by T.
Protein change: p.Pro46Ser; replaces proline 46 with serine.
Molecular consequence: missense variant.
Genome position (GRCh38, 1-based): chr1:202,950,935, G>A on the plus strand (C>T on the coding strand, the complement: ADIPOR1 is on the minus strand). VCF-style: chr1-202950935-G-A. GRCh37 (hg19) VCF-style: chr1-202920063-G-A.
Other names: c.136C>T, p.Pro46Ser (NM_001127687.1, NM_001290553.2, NM_001290557.1 and 1 more transcripts); short protein forms P46S.
Identifiers: ClinVar variation 3002104 (VCV003002104.3), dbSNP rs2527486606, ClinGen allele CA344284604.